The following is an entry in ClinVar:

NM_001330078.2(NRXN1):c.2253A>G (p.Ala751=)

Gene: NRXN1 (neurexin 1; minus strand). Cytogenetic location: 2p16.3.
Variant type: single nucleotide variant.
Coding change: c.2253A>G on transcript NM_001330078.2 (MANE Select); coding-DNA position 2253, A replaced by G.
Protein change: p.Ala751=; no amino-acid change (alanine 751 retained).
Molecular consequence: synonymous variant.
Genome position (GRCh38, 1-based): chr2:50,531,321, T>C on the plus strand (A>G on the coding strand, the complement: NRXN1 is on the minus strand). VCF-style: chr2-50531321-T-C. GRCh37 (hg19) VCF-style: chr2-50758459-T-C.
Other names: c.2373A>G, p.Ala791= (NM_001135659.3); c.2229A>G, p.Ala743= (NM_001330077.2, NM_001330082.2, NM_001330095.2); c.2214A>G, p.Ala738= (NM_001330083.2, NM_001330084.2); c.2253A>G, p.Ala751= (NM_001330085.2, NM_001330086.2, NM_004801.6); c.2169A>G, p.Ala723= (NM_001330087.2, NM_001330096.2); c.2199A>G, p.Ala733= (NM_001330088.2); c.2250A>G, p.Ala750= (NM_001330093.2); c.2241A>G, p.Ala747= (NM_001330094.2).
Identifiers: ClinVar variation 653260 (VCV000653260.36), dbSNP rs199648817, ClinGen allele CA1654882.

ClinVar aggregate classification (germline): Conflicting classifications of pathogenicity. Review status: criteria provided, conflicting classifications (1 of 4 stars). 4 submissions from 4 submitters: Uncertain significance (1); Likely benign (3). Last evaluated 2025-02-20.

Conditions:
Pitt-Hopkins-like syndrome 2 (PTHSL2). Identifiers: Orphanet 221150, Orphanet 600663, MedGen C3280479, MONDO:0013690, OMIM 614325.

Allele frequency attached by ClinVar (database versions not stated): ExAC 0.00004; gnomAD exomes 0.00004; gnomAD 0.00006; TOPMed 0.00006.
gnomAD v4.1: 68 of 1,613,496 alleles (0.0042%); highest among the groups gnomAD compares: Middle Eastern, 0.033%; no homozygotes.

Submissions (4):

Labcorp Genetics (formerly Invitae), Labcorp
Classification: Likely benign for Pitt-Hopkins-like syndrome 2. Last evaluated: 2025-02-20. Review status: criteria provided, single submitter. Criteria: Invitae Variant Classification Sherloc (09022015). Collection method: clinical testing. Allele origin: germline.

CeGaT Center for Human Genetics Tuebingen
Classification: Likely benign. Last evaluated: 2023-03-01. Review status: criteria provided, single submitter. Criteria: CeGaT Center For Human Genetics Tuebingen Variant Classification Criteria Version 2. Collection method: clinical testing. Allele origin: germline. Affected: yes. Observed: 1 variant allele.
Comment: NRXN1: BP4, BP7

GeneDx
Classification: Likely benign. Last evaluated: 2020-07-13. Review status: criteria provided, single submitter. Criteria: GeneDx Variant Classification Process June 2021. Collection method: clinical testing. Allele origin: germline. Affected: yes.

Illumina Laboratory Services, Illumina
Classification: Uncertain significance for Pitt-Hopkins-like syndrome 2. Last evaluated: 2018-01-12. Review status: criteria provided, single submitter. Criteria: ICSL Variant Classification Criteria 13 December 2019. Collection method: clinical testing. Allele origin: germline.